The following is an entry in ClinVar:

ClinVar aggregate classification (germline): Uncertain significance (1 of 4 stars; one submission).

Conditions:
D-2-hydroxyglutaric aciduria 2 (D2HGA2). Identifiers: Orphanet 79315, MedGen C3150909, MONDO:0013345, OMIM 613657.

Submission:

Labcorp Genetics (formerly Invitae), Labcorp
Classification: Uncertain significance for D-2-hydroxyglutaric aciduria 2. Last evaluated: 2024-12-05. Review status: criteria provided, single submitter. Criteria: Invitae Variant Classification Sherloc (09022015). Collection method: clinical testing. Allele origin: germline.
Comment: This sequence change affects codon 171 of the IDH2 mRNA. It is a 'silent' change, meaning that it does not change the encoded amino acid sequence of the IDH2 protein. This variant is not present in population databases (gnomAD no frequency). This variant has not been reported in the literature in individuals affected with IDH2-related conditions. Algorithms developed to predict the effect of sequence changes on RNA splicing suggest that this variant may create or strengthen a splice site. In summary, the available evidence is currently insufficient to determine the role of this variant in disease. Therefore, it has been classified as a Variant of Uncertain Significance.

NM_002168.4(IDH2):c.513C>T (p.Gly171=)

Gene: IDH2 (isocitrate dehydrogenase (NADP(+)) 2; minus strand). Cytogenetic location: 15q26.1.
Variant type: single nucleotide variant.
Coding change: c.513C>T on transcript NM_002168.4 (MANE Select); coding-DNA position 513, C replaced by T.
Protein change: p.Gly171=; no amino-acid change (glycine 171 retained).
Molecular consequence: synonymous variant.
Genome position (GRCh38, 1-based): chr15:90,088,608, G>A on the plus strand (C>T on the coding strand, the complement: IDH2 is on the minus strand). VCF-style: chr15-90088608-G-A. GRCh37 (hg19) VCF-style: chr15-90631840-G-A.
Other names: c.357C>T, p.Gly119= (NM_001289910.1); c.123C>T, p.Gly41= (NM_001290114.2).
Identifiers: ClinVar variation 3701146 (VCV003701146.2).